The following is an entry in ClinVar:

NM_001232.4(CASQ2):c.18_20del (p.Leu6del)

Gene: CASQ2 (calsequestrin 2; minus strand). Cytogenetic location: 1p13.1.
Variant type: Deletion.
Coding change: c.18_20del on transcript NM_001232.4 (MANE Select); coding-DNA positions 18 to 20, 3 bases deleted (GTT; older notation c.18_20delGTT).
Protein change: p.Leu6del; deletes leucine 6.
Molecular consequence: inframe deletion.
Genome position (GRCh38, 1-based): chr1:115,768,522-115,768,524, AAC deleted on the plus strand (GTT on the coding strand, the reverse complement: CASQ2 is on the minus strand); deleting any 3 consecutive bases within chr1:115,768,522-115,768,526 gives the same sequence; the c. name uses the placement nearest the transcript's 3' end. VCF-style (leftmost placement, unchanged base first): chr1-115768521-AAAC-A. GRCh37 (hg19) VCF-style: chr1-116311142-AAAC-A.
Other names: c.18_20delGTT (NM_001232.3); short protein forms L6del.
Identifiers: ClinVar variation 190753 (VCV000190753.2), dbSNP rs786205794, ClinGen allele CA301932.
Genomic context (GRCh38, chr1:115,768,521, plus strand): 5'-TGTGGGGAAATTAAGCCCCTCTTCTGCCCTGCAAGAGGACAGAAAATAAATCCCCACAAT[AAAC>A]AAGTGAGTTCTCTTCATTTGGGAAAACTTTTGTTTCTCGTTCCCAAATATGCTGTGTGCA-3'

ClinVar aggregate classification (germline): Uncertain significance (1 of 4 stars; one submission).

Submission:

GeneDx
Classification: Uncertain significance. Last evaluated: 2017-10-11. Review status: criteria provided, single submitter. Criteria: GeneDx Variant Classification (06012015). Collection method: clinical testing. Allele origin: germline. Affected: yes.
Comment: The c.18_20delGTT has not been published as a mutation or reported as a benign polymorphism to our knowledge. The c.18_20delGTT was not observed in approximately 6,000 individuals of European and African American ancestry in the NHLBI Exome Sequencing Project, indicating it is not a common benign variant in these populations. This variant results in an in-frame deletion of one amino acid in the CASQ2 gene. To our knowledge, no mutations in surrounding residues and no in-frame deletions have been reported in the CASQ2 gene in association with ARVC.Therefore, based on the currently available information, it is unclear whether this variant is a pathogenic mutation or a rare benign variant.